The following is an entry in ClinVar:

ClinVar aggregate classification (germline): Uncertain significance (1 of 4 stars; one submission).

Submission:

GeneDx
Classification: Uncertain significance. Last evaluated: 2025-01-27. Review status: criteria provided, single submitter. Criteria: GeneDx Variant Classification Process June 2021. Collection method: clinical testing. Allele origin: germline. Affected: yes.
Comment: Not observed at significant frequency in large population cohorts (gnomAD); In silico analysis indicates that this missense variant does not alter protein structure/function; Has not been previously published as pathogenic or benign to our knowledge

NM_001005273.3(CHD3):c.393A>T (p.Glu131Asp)

Gene: CHD3 (chromodomain helicase DNA binding protein 3; plus strand). Cytogenetic location: 17p13.1.
Variant type: single nucleotide variant.
Coding change: c.393A>T on transcript NM_001005273.3 (MANE Select); coding-DNA position 393, A replaced by T.
Protein change: p.Glu131Asp; replaces glutamic acid 131 with aspartic acid.
Molecular consequence: missense variant.
Genome position (GRCh38, 1-based): chr17:7,890,948, A>T. VCF-style: chr17-7890948-A-T. GRCh37 (hg19) VCF-style: chr17-7794266-A-T.
Other names: c.570A>T, p.Glu190Asp (NM_001005271.3); c.393A>T, p.Glu131Asp (NM_005852.4); short protein forms E131D, E190D.
Identifiers: ClinVar variation 4071894 (VCV004071894.1).
Genomic context (GRCh38, chr17:7,890,948, plus strand): 5'-CTGGAATAGGGGCTGGAGGAGCACCTACTTCACCAAAGCCCCTCTCCCGCAGCAAGTGGA[A>T]CAGAAGTCATCAGCAACTCTGCTTCTGACCTGGGGCCTGGAGGATGTGGAGCATGTGTTC-3'
Protein context (NP_001005273.1, residues 121-141): GEGDGGQKQV[Glu131Asp]QKSSATLLLT